The following is an entry in ClinVar:

ClinVar aggregate classification (germline): Uncertain significance (1 of 4 stars; one submission).

Conditions:
Pierson syndrome. Also called: MICROCORIA-CONGENITAL NEPHROTIC SYNDROME. Identifiers: Orphanet 2670, MedGen C1836876, MONDO:0012184, OMIM 609049.
LAMB2-related infantile-onset nephrotic syndrome. Also called: Nephrotic Syndrome, type 5; NEPHROTIC SYNDROME, TYPE 5, WITHOUT OCULAR ABNORMALITIES; NEPHROTIC SYNDROME, TYPE 5, WITH OCULAR ABNORMALITIES. Identifiers: Orphanet 306507, MedGen C3280113, MONDO:0013621, OMIM 614199.

Allele frequency attached by ClinVar (database versions not stated): gnomAD exomes below 0.00001.
gnomAD v4.1: 3 of 1,614,192 alleles (0.00019%); highest among the groups gnomAD compares: Non-Finnish European, 0.00025%; no homozygotes.

Submission:

Labcorp Genetics (formerly Invitae), Labcorp
Classification: Uncertain significance for LAMB2-related infantile-onset nephrotic syndrome; Pierson syndrome. Last evaluated: 2022-05-12. Review status: criteria provided, single submitter. Criteria: Invitae Variant Classification Sherloc (09022015). Collection method: clinical testing. Allele origin: germline.
Comment: In summary, the available evidence is currently insufficient to determine the role of this variant in disease. Therefore, it has been classified as a Variant of Uncertain Significance. Algorithms developed to predict the effect of sequence changes on RNA splicing suggest that this variant may create or strengthen a splice site. This variant has not been reported in the literature in individuals affected with LAMB2-related conditions. This variant is not present in population databases (gnomAD no frequency). This sequence change affects codon 1004 of the LAMB2 mRNA. It is a 'silent' change, meaning that it does not change the encoded amino acid sequence of the LAMB2 protein.

NM_002292.4(LAMB2):c.3012G>A (p.Thr1004=)

Gene: LAMB2 (laminin subunit beta 2; minus strand). Cytogenetic location: 3p21.31.
Variant type: single nucleotide variant.
Coding change: c.3012G>A on transcript NM_002292.4 (MANE Select); coding-DNA position 3012, G replaced by A.
Protein change: p.Thr1004=; no amino-acid change (threonine 1004 retained).
Molecular consequence: synonymous variant.
Genome position (GRCh38, 1-based): chr3:49,124,798, C>T on the plus strand (G>A on the coding strand, the complement: LAMB2 is on the minus strand). VCF-style: chr3-49124798-C-T. GRCh37 (hg19) VCF-style: chr3-49162231-C-T.
Identifiers: ClinVar variation 2179430 (VCV002179430.4), dbSNP rs776161557, ClinGen allele CA74480060.